The following is an entry in ClinVar:

NM_033004.4(NLRP1):c.3175G>A (p.Val1059Met)

Gene: NLRP1 (NLR family pyrin domain containing 1; minus strand). Cytogenetic location: 17p13.2.
Variant type: single nucleotide variant.
Coding change: c.3175G>A on transcript NM_033004.4 (MANE Select); coding-DNA position 3175, G replaced by A.
Protein change: p.Val1059Met; replaces valine 1059 with methionine.
Molecular consequence: missense variant.
Genome position (GRCh38, 1-based): chr17:5,532,943, C>T on the plus strand (G>A on the coding strand, the complement: NLRP1 is on the minus strand). VCF-style: chr17-5532943-C-T. GRCh37 (hg19) VCF-style: chr17-5436263-C-T.
Other names: p.Val1059Met; c.3187G>A, p.Val1063Met (NM_001033053.3); c.3175G>A, p.Val1059Met (NM_014922.5); c.3085G>A, p.Val1029Met (NM_033006.4, NM_033007.4); short protein forms V1029M, V1059M, V1063M.
Identifiers: ClinVar variation 1164600 (VCV001164600.14), dbSNP rs2301582, ClinGen allele CA8326904.

ClinVar aggregate classification (germline): Benign/Likely benign. Review status: criteria provided, multiple submitters, no conflicts (2 of 4 stars). 6 submissions from 6 submitters: Benign (4); Likely benign (2). Last evaluated 2026-02-04.

Allele frequency attached by ClinVar (database versions not stated): 1000 Genomes Project 0.18431; 1000 Genomes Project 30x 0.19082; TOPMed 0.29013; ESP Exome Variant Server 0.30663; ExAC 0.32481; gnomAD exomes 0.33016 and 0.36823.

Submissions (6):

Labcorp Genetics (formerly Invitae), Labcorp
Classification: Benign. Last evaluated: 2026-02-04. Review status: criteria provided, single submitter. Criteria: Invitae Variant Classification Sherloc (09022015). Collection method: clinical testing. Allele origin: germline.

Women's Health and Genetics/Laboratory Corporation of America, LabCorp
Classification: Likely benign. Last evaluated: 2026-01-21. Review status: criteria provided, single submitter. Criteria: LabCorp Variant Classification Summary - May 2015. Collection method: clinical testing. Allele origin: germline.

Blueprint Genetics
Classification: Likely benign. Last evaluated: 2024-11-28. Review status: criteria provided, single submitter. Criteria: ACMG Guidelines, 2015. Collection method: clinical testing. Allele origin: germline.

Unidad de Genómica Garrahan, Hospital de Pediatría Garrahan
Classification: Benign. Last evaluated: 2023-11-12. Review status: criteria provided, single submitter. Criteria: ACMG Guidelines, 2015. Collection method: clinical testing. Allele origin: germline. Affected: no. Observed: 55 variant alleles.
Comment: This variant is classified as Benign based on local population frequency. This variant was detected in 57% of patients studied by a panel of primary immunodeficiencies. Number of patients: 55. Only high quality variants are reported.

Mayo Clinic Laboratories, Mayo Clinic
Classification: Benign. Last evaluated: 2022-09-06. Review status: criteria provided, single submitter. Criteria: ACMG Guidelines, 2015. Collection method: clinical testing. Allele origin: germline. Observed: 246 variant alleles.

Breakthrough Genomics
Classification: Benign. Review status: criteria provided, single submitter. Criteria: ACMG Guidelines, 2015. Collection method: not provided. Allele origin: germline. Inheritance: Autosomal recessive inheritance. Affected: yes.